The following is an entry in ClinVar:

NM_015450.3(POT1):c.1186G>A (p.Asp396Asn)

Gene: POT1 (protection of telomeres 1; minus strand). Cytogenetic location: 7q31.33.
Variant type: single nucleotide variant.
Coding change: c.1186G>A on transcript NM_015450.3 (MANE Select); coding-DNA position 1186, G replaced by A.
Protein change: p.Asp396Asn; replaces aspartic acid 396 with asparagine.
Molecular consequence: missense variant. On other transcripts: non-coding transcript variant (3).
Genome position (GRCh38, 1-based): chr7:124,841,156, C>T on the plus strand (G>A on the coding strand, the complement: POT1 is on the minus strand). VCF-style: chr7-124841156-C-T. GRCh37 (hg19) VCF-style: chr7-124481210-C-T.
Other names: c.793G>A, p.Asp265Asn (NM_001042594.2); short protein forms D396N, D265N.
Identifiers: ClinVar variation 486129 (VCV000486129.22), dbSNP rs148956533, ClinGen allele CA4465190.

ClinVar aggregate classification (germline): Conflicting classifications of pathogenicity. Review status: criteria provided, conflicting classifications (1 of 4 stars). 4 submissions from 4 submitters: Uncertain significance (3); Likely benign (1). Last evaluated 2025-12-22.

Conditions:
Pulmonary fibrosis and/or bone marrow failure syndrome, telomere-related, 8 (PFBMFT8). Identifiers: MedGen C5830496, MONDO:0957263, OMIM 620367.
Tumor predisposition syndrome 3 (TPDS3). Also called: Glioma susceptibility 9; LONG TELOMERE SYNDROME, POT1-RELATED; POT1 Tumor Predisposition; Melanoma, cutaneous malignant, susceptibility to, 10. Identifiers: Orphanet 618, MedGen C4014476, MONDO:0014368, OMIM 615848.
Cerebroretinal microangiopathy with calcifications and cysts 3 (CRMCC3). Identifiers: MedGen C5830497, MONDO:0957264, OMIM 620368.
Hereditary cancer-predisposing syndrome. Also called: Hereditary neoplastic syndrome; Hereditary Cancer Syndrome; Neoplastic Syndromes, Hereditary; Tumor predisposition. Identifiers: Orphanet 140162, MedGen C0027672, MeSH D009386, MONDO:0015356.

Allele frequency attached by ClinVar (database versions not stated): gnomAD 0.00004; gnomAD exomes 0.00004; ExAC 0.00005; TOPMed 0.00005; ESP Exome Variant Server 0.00015.
gnomAD v4.1: 28 of 1,611,936 alleles (0.0017%); highest among the groups gnomAD compares: Admixed American, 0.005%; no homozygotes.

Submissions (4):

Labcorp Genetics (formerly Invitae), Labcorp
Classification: Uncertain significance for Tumor predisposition syndrome 3. Last evaluated: 2025-12-22. Review status: criteria provided, single submitter. Criteria: Invitae Variant Classification Sherloc (09022015). Collection method: clinical testing. Allele origin: germline.
Comment: This sequence change replaces aspartic acid, which is acidic and polar, with asparagine, which is neutral and polar, at codon 396 of the POT1 protein (p.Asp396Asn). This variant is present in population databases (rs148956533, gnomAD 0.01%). This variant has not been reported in the literature in individuals affected with POT1-related conditions. ClinVar contains an entry for this variant (Variation ID: 486129). Invitae Evidence Modeling of protein sequence and biophysical properties (such as structural, functional, and spatial information, amino acid conservation, physicochemical variation, residue mobility, and thermodynamic stability) indicates that this missense variant is not expected to disrupt POT1 protein function with a negative predictive value of 80%. RNA analysis performed to evaluate the impact of this missense change on mRNA splicing indicates it does not significantly alter splicing (internal data). In summary, the available evidence is currently insufficient to determine the role of this variant in disease. Therefore, it has been classified as a Variant of Uncertain Significance.

GeneDx
Classification: Uncertain significance. Last evaluated: 2024-07-19. Review status: criteria provided, single submitter. Criteria: GeneDx Variant Classification Process June 2021. Collection method: clinical testing. Allele origin: germline. Affected: yes.
Comment: In silico analysis indicates that this missense variant does not alter protein structure/function; This variant is associated with the following publications: (PMID: 30556179, 28393830, 36539277)

Fulgent Genetics
Classification: Uncertain significance for Tumor predisposition syndrome 3; Pulmonary fibrosis and/or bone marrow failure syndrome, telomere-related, 8; Cerebroretinal microangiopathy with calcifications and cysts 3. Last evaluated: 2024-03-13. Review status: criteria provided, single submitter. Criteria: ACMG Guidelines, 2015. Collection method: clinical testing. Allele origin: germline.

Ambry Genetics
Classification: Likely benign for Hereditary cancer-predisposing syndrome. Last evaluated: 2024-01-09. Review status: criteria provided, single submitter. Criteria: Ambry Variant Classification Scheme 2023. Collection method: clinical testing. Allele origin: germline.